The following is an entry in ClinVar:

NM_020191.4(MRPS22):c.732+210A>G

Gene: MRPS22 (mitochondrial ribosomal protein S22; plus strand). Cytogenetic location: 3q23.
Variant type: single nucleotide variant.
Coding change: c.732+210A>G on transcript NM_020191.4 (MANE Select); 210 bases into the intron after coding-DNA position 732, A replaced by G.
Molecular consequence: intron variant.
Genome position (GRCh38, 1-based): chr3:139,351,270, A>G. VCF-style: chr3-139351270-A-G. GRCh37 (hg19) VCF-style: chr3-139070112-A-G.
Other names: c.729+210A>G (NM_001363893.1); c.609+210A>G (NM_001363857.1).
Identifiers: ClinVar variation 678010 (VCV000678010.2), dbSNP rs6788313, ClinGen allele CA15275869.
Genomic context (GRCh38, chr3:139,351,270, plus strand): 5'-ATATATATTTTATAATCACAACAACCCTTGATTAAAGATGAGGGAATTTAAGCTTGTAGA[A>G]TTAAGTAGCTTGCTGAAAGTTGCATAGCTACTAAGTGGTAGGGTTAGGACCCAAGTTTGA-3'

ClinVar aggregate classification (germline): Benign. Review status: criteria provided, multiple submitters, no conflicts (2 of 4 stars). 2 submissions from 2 submitters: Benign (2). Last evaluated 2018-06-14.

Allele frequency attached by ClinVar (database versions not stated): 1000 Genomes Project 30x 0.87039; 1000 Genomes Project 0.87680; TOPMed 0.88533; gnomAD 0.88988 and 0.89301; gnomAD exomes 0.94678.
gnomAD v4.1: 517,883 of 555,804 alleles (93%); highest among the groups gnomAD compares: East Asian, 97%; 242,577 homozygotes.

Submissions (2):

GeneDx
Classification: Benign. Last evaluated: 2018-06-14. Review status: criteria provided, single submitter. Criteria: GeneDx Variant Classification (06012015). Collection method: clinical testing. Allele origin: germline. Affected: yes.
Comment: This variant is considered likely benign or benign based on one or more of the following criteria: it is a conservative change, it occurs at a poorly conserved position in the protein, it is predicted to be benign by multiple in silico algorithms, and/or has population frequency not consistent with disease.

Breakthrough Genomics
Classification: Benign. Review status: criteria provided, single submitter. Criteria: ACMG Guidelines, 2015. Collection method: not provided. Allele origin: germline. Inheritance: Autosomal recessive inheritance. Affected: yes.